The following is an entry in ClinVar:

ClinVar aggregate classification (germline): Uncertain significance. Review status: criteria provided, multiple submitters, no conflicts (2 of 4 stars). 2 submissions from 2 submitters: Uncertain significance (2). Last evaluated 2022-10-04.

Conditions:
Brown-Vialetto-van Laere syndrome 2. Also called: SPINOCEREBELLAR ATAXIA WITH BLINDNESS AND DEAFNESS 2; Riboflavin transporter deficiency type 2. Identifiers: Orphanet 572543, Orphanet 97229, MedGen C3553538, MONDO:0013867, OMIM 614707.
Inborn genetic diseases. Identifiers: MedGen C0950123, MeSH D030342.

Allele frequency attached by ClinVar (database versions not stated): gnomAD 0.00001; ExAC 0.00003; TOPMed below 0.00001; gnomAD exomes 0.00001.
gnomAD v4.1: 18 of 1,613,482 alleles (0.0011%); highest among the groups gnomAD compares: South Asian, 0.016%; no homozygotes.

Submissions (2):

Labcorp Genetics (formerly Invitae), Labcorp
Classification: Uncertain significance for Brown-Vialetto-van Laere syndrome 2. Last evaluated: 2022-10-04. Review status: criteria provided, single submitter. Criteria: Invitae Variant Classification Sherloc (09022015). Collection method: clinical testing. Allele origin: germline.
Comment: In summary, the available evidence is currently insufficient to determine the role of this variant in disease. Therefore, it has been classified as a Variant of Uncertain Significance. Advanced modeling of protein sequence and biophysical properties (such as structural, functional, and spatial information, amino acid conservation, physicochemical variation, residue mobility, and thermodynamic stability) performed at Invitae indicates that this missense variant is not expected to disrupt SLC52A2 protein function. This variant has not been reported in the literature in individuals affected with SLC52A2-related conditions. This variant is present in population databases (rs782157440, gnomAD 0.03%). This sequence change replaces arginine, which is basic and polar, with glutamine, which is neutral and polar, at codon 145 of the SLC52A2 protein (p.Arg145Gln).

Ambry Genetics
Classification: Uncertain significance for Inborn genetic diseases. Last evaluated: 2021-12-01. Review status: criteria provided, single submitter. Criteria: Ambry Variant Classification Scheme 2023. Collection method: clinical testing. Allele origin: germline.
Comment: The p.R145Q variant (also known as c.434G>A), located in coding exon 2 of the SLC52A2 gene, results from a G to A substitution at nucleotide position 434. The arginine at codon 145 is replaced by glutamine, an amino acid with highly similar properties. This amino acid position is conserved. In addition, the in silico prediction for this alteration is inconclusive. Since supporting evidence is limited at this time, the clinical significance of this alteration remains unclear.

NM_001363118.2(SLC52A2):c.434G>A (p.Arg145Gln)

Gene: SLC52A2 (solute carrier family 52 member 2; plus strand). Cytogenetic location: 8q24.3.
Variant type: single nucleotide variant.
Coding change: c.434G>A on transcript NM_001363118.2 (MANE Select); coding-DNA position 434, G replaced by A.
Protein change: p.Arg145Gln; replaces arginine 145 with glutamine.
Molecular consequence: missense variant. On other transcripts: non-coding transcript variant (1), intron variant (1).
Genome position (GRCh38, 1-based): chr8:144,359,926, G>A. VCF-style: chr8-144359926-G-A. GRCh37 (hg19) VCF-style: chr8-145583586-G-A.
Other names: c.434G>A, p.Arg145Gln (NM_001253815.2, NM_001253816.2, NM_001363120.2 and 2 more transcripts); c.170G>A, p.Arg57Gln (NM_001410949.1); c.131-189G>A (NM_001363122.2); short protein forms R145Q, R57Q.
Identifiers: ClinVar variation 1739926 (VCV001739926.7), dbSNP rs782157440, ClinGen allele CA4938193.